The following is an entry in ClinVar:

ClinVar aggregate classification (germline): Uncertain significance. Review status: criteria provided, multiple submitters, no conflicts (2 of 4 stars). 2 submissions from 2 submitters: Uncertain significance (2). Last evaluated 2024-01-25.

Conditions:
Inborn genetic diseases. Identifiers: MedGen C0950123, MeSH D030342.

Allele frequency attached by ClinVar (database versions not stated): gnomAD exomes below 0.00001.
gnomAD v4.1: 3 of 1,613,924 alleles (0.00019%); highest among the groups gnomAD compares: Non-Finnish European, 0.00017%; no homozygotes.

Submissions (2):

Labcorp Genetics (formerly Invitae), Labcorp
Classification: Uncertain significance. Last evaluated: 2024-01-25. Review status: criteria provided, single submitter. Criteria: Invitae Variant Classification Sherloc (09022015). Collection method: clinical testing. Allele origin: germline.
Comment: This sequence change replaces histidine, which is basic and polar, with tyrosine, which is neutral and polar, at codon 2289 of the ATR protein (p.His2289Tyr). This variant is not present in population databases (gnomAD no frequency). This variant has not been reported in the literature in individuals affected with ATR-related conditions. ClinVar contains an entry for this variant (Variation ID: 1755854). An algorithm developed to predict the effect of missense changes on protein structure and function (PolyPhen-2) suggests that this variant is likely to be disruptive. In summary, the available evidence is currently insufficient to determine the role of this variant in disease. Therefore, it has been classified as a Variant of Uncertain Significance.

Ambry Genetics
Classification: Uncertain significance for Inborn genetic diseases. Last evaluated: 2021-11-14. Review status: criteria provided, single submitter. Criteria: Ambry Variant Classification Scheme 2023. Collection method: clinical testing. Allele origin: germline.
Comment: The p.H2289Y variant (also known as c.6865C>T), located in coding exon 40 of the ATR gene, results from a C to T substitution at nucleotide position 6865. The histidine at codon 2289 is replaced by tyrosine, an amino acid with similar properties. This amino acid position is conserved. In addition, this alteration is predicted to be tolerated by in silico analysis. Since supporting evidence is limited at this time, the clinical significance of this alteration remains unclear.

NM_001184.4(ATR):c.6865C>T (p.His2289Tyr)

Gene: ATR (ATR checkpoint kinase; minus strand). Cytogenetic location: 3q23.
Variant type: single nucleotide variant.
Coding change: c.6865C>T on transcript NM_001184.4 (MANE Select); coding-DNA position 6865, C replaced by T.
Protein change: p.His2289Tyr; replaces histidine 2289 with tyrosine.
Molecular consequence: missense variant.
Genome position (GRCh38, 1-based): chr3:142,466,356, G>A on the plus strand (C>T on the coding strand, the complement: ATR is on the minus strand). VCF-style: chr3-142466356-G-A. GRCh37 (hg19) VCF-style: chr3-142185198-G-A.
Other names: c.6673C>T, p.His2225Tyr (NM_001354579.2); short protein forms H2225Y, H2289Y.
Identifiers: ClinVar variation 1755854 (VCV001755854.5), dbSNP rs2473060097, ClinGen allele CA354801288.